The following is an entry in ClinVar:

NM_004820.5(CYP7B1):c.1132C>G (p.Leu378Val)

Gene: CYP7B1 (cytochrome P450 family 7 subfamily B member 1; minus strand). Cytogenetic location: 8q12.3.
Variant type: single nucleotide variant.
Coding change: c.1132C>G on transcript NM_004820.5 (MANE Select); coding-DNA position 1132, C replaced by G.
Protein change: p.Leu378Val; replaces leucine 378 with valine.
Molecular consequence: missense variant.
Genome position (GRCh38, 1-based): chr8:64,604,783, G>C on the plus strand (C>G on the coding strand, the complement: CYP7B1 is on the minus strand). VCF-style: chr8-64604783-G-C. GRCh37 (hg19) VCF-style: chr8-65517340-G-C.
Other names: c.1132C>G, p.Leu378Val (NM_001324112.2); c.1132C>G (NM_004820.4); short protein forms L378V.
Identifiers: ClinVar variation 647002 (VCV000647002.9), dbSNP rs766368787, ClinGen allele CA4764045.

ClinVar aggregate classification (germline): Uncertain significance. Review status: criteria provided, multiple submitters, no conflicts (2 of 4 stars). 3 submissions from 3 submitters: Uncertain significance (2). 1 of the submissions does not count toward it. Last evaluated 2025-10-30.

Conditions:
CYP7B1-related disorder. Also called: CYP7B1-related condition.
Inborn genetic diseases. Identifiers: MedGen C0950123, MeSH D030342.
Spastic paraplegia. Identifiers: MedGen C0037772, HP:0001258.

Allele frequency attached by ClinVar (database versions not stated): gnomAD 0.00003 and 0.00002; TOPMed 0.00004; ExAC 0.00002.
gnomAD v4.1: 74 of 1,614,020 alleles (0.0046%); highest among the groups gnomAD compares: Non-Finnish European, 0.0058%; no homozygotes.

Submissions (3):

Ambry Genetics
Classification: Uncertain significance for Inborn genetic diseases. Last evaluated: 2025-10-30. Review status: criteria provided, single submitter. Criteria: Ambry Variant Classification Scheme 2023. Collection method: clinical testing. Allele origin: germline.

Labcorp Genetics (formerly Invitae), Labcorp
Classification: Uncertain significance for Spastic paraplegia. Last evaluated: 2022-10-27. Review status: criteria provided, single submitter. Criteria: Invitae Variant Classification Sherloc (09022015). Collection method: clinical testing. Allele origin: germline.
Comment: This sequence change replaces leucine, which is neutral and non-polar, with valine, which is neutral and non-polar, at codon 378 of the CYP7B1 protein (p.Leu378Val). This variant is present in population databases (rs766368787, gnomAD 0.006%). This variant has not been reported in the literature in individuals affected with CYP7B1-related conditions. ClinVar contains an entry for this variant (Variation ID: 647002). Advanced modeling of protein sequence and biophysical properties (such as structural, functional, and spatial information, amino acid conservation, physicochemical variation, residue mobility, and thermodynamic stability) performed at Invitae indicates that this missense variant is not expected to disrupt CYP7B1 protein function. In summary, the available evidence is currently insufficient to determine the role of this variant in disease. Therefore, it has been classified as a Variant of Uncertain Significance.

PreventionGenetics, part of Exact Sciences
Classification: Uncertain significance for CYP7B1-related condition. Last evaluated: 2024-05-06. Review status: no assertion criteria provided. Collection method: clinical testing. Allele origin: germline. Not counted in ClinVar's aggregate classification.
Comment: The CYP7B1 c.1132C>G variant is predicted to result in the amino acid substitution p.Leu378Val. To our knowledge, this variant has not been reported in the literature. This variant is reported in 0.0062% of alleles in individuals of European (Non-Finnish) descent in gnomAD. At this time, the clinical significance of this variant is uncertain due to the absence of conclusive functional and genetic evidence.